The following is an entry in ClinVar:

ClinVar aggregate classification (germline): Uncertain significance. Review status: criteria provided, multiple submitters, no conflicts (2 of 4 stars). 2 submissions from 2 submitters: Uncertain significance (2). Last evaluated 2024-10-24.

Conditions:
Nemaline myopathy 8 (NEM8). Also called: Nemaline myopathy 8, autosomal recessive. Identifiers: Orphanet 171430, MedGen C3809209, MONDO:0014138, OMIM 615348.
Inborn genetic diseases. Identifiers: MedGen C0950123, MeSH D030342.

Allele frequency attached by ClinVar (database versions not stated): TOPMed below 0.00001; ExAC 0.00003; gnomAD exomes 0.00004.
gnomAD v4.1: 32 of 1,613,966 alleles (0.002%); highest among the groups gnomAD compares: South Asian, 0.035%; no homozygotes.

Submissions (2):

Labcorp Genetics (formerly Invitae), Labcorp
Classification: Uncertain significance for Nemaline myopathy 8. Last evaluated: 2024-10-24. Review status: criteria provided, single submitter. Criteria: Invitae Variant Classification Sherloc (09022015). Collection method: clinical testing. Allele origin: germline.
Comment: This sequence change replaces leucine, which is neutral and non-polar, with valine, which is neutral and non-polar, at codon 404 of the KLHL40 protein (p.Leu404Val). This variant is present in population databases (rs760491341, gnomAD 0.03%). This variant has not been reported in the literature in individuals affected with KLHL40-related conditions. ClinVar contains an entry for this variant (Variation ID: 1378076). Invitae Evidence Modeling of protein sequence and biophysical properties (such as structural, functional, and spatial information, amino acid conservation, physicochemical variation, residue mobility, and thermodynamic stability) has been performed for this missense variant. However, the output from this modeling did not meet the statistical confidence thresholds required to predict the impact of this variant on KLHL40 protein function. In summary, the available evidence is currently insufficient to determine the role of this variant in disease. Therefore, it has been classified as a Variant of Uncertain Significance.

Ambry Genetics
Classification: Uncertain significance for Inborn genetic diseases. Last evaluated: 2023-12-13. Review status: criteria provided, single submitter. Criteria: Ambry Variant Classification Scheme 2023. Collection method: clinical testing. Allele origin: germline.

NM_152393.4(KLHL40):c.1210C>G (p.Leu404Val)

Gene: KLHL40 (kelch like family member 40; plus strand). Cytogenetic location: 3p22.1.
Variant type: single nucleotide variant.
Coding change: c.1210C>G on transcript NM_152393.4 (MANE Select); coding-DNA position 1210, C replaced by G.
Protein change: p.Leu404Val; replaces leucine 404 with valine.
Molecular consequence: missense variant.
Genome position (GRCh38, 1-based): chr3:42,688,199, C>G. VCF-style: chr3-42688199-C-G. GRCh37 (hg19) VCF-style: chr3-42729691-C-G.
Other names: c.1210C>G (NM_152393.2); short protein forms L404V.
Identifiers: ClinVar variation 1378076 (VCV001378076.8), dbSNP rs760491341, ClinGen allele CA2336859.
Genomic context (GRCh38, chr3:42,688,199, plus strand): 5'-CAGTTTGACCATCTGGACTCAGAGTGGCTGGGGATGCCACCGCTGCCCTCGCCCCGCTGC[C>G]TCTTTGGCCTGGGAGAAGCTCTCAACTCCATCTACGTGGTCGGTGGCAGAGAGATCAAGG-3'
Protein context (NP_689606.2, residues 394-414): GMPPLPSPRC[Leu404Val]FGLGEALNSI